The following is an entry in ClinVar:

NM_024675.4(PALB2):c.1012C>G (p.Pro338Ala)

Gene: PALB2 (partner and localizer of BRCA2; minus strand). Cytogenetic location: 16p12.2.
Variant type: single nucleotide variant.
Coding change: c.1012C>G on transcript NM_024675.4 (MANE Select); coding-DNA position 1012, C replaced by G.
Protein change: p.Pro338Ala; replaces proline 338 with alanine.
Molecular consequence: missense variant.
Genome position (GRCh38, 1-based): chr16:23,635,534, G>C on the plus strand (C>G on the coding strand, the complement: PALB2 is on the minus strand). VCF-style: chr16-23635534-G-C. GRCh37 (hg19) VCF-style: chr16-23646855-G-C.
Other names: short protein forms P338A.
Identifiers: ClinVar variation 492142 (VCV000492142.16), dbSNP rs560853558, ClinGen allele CA7963737.

ClinVar aggregate classification (germline): Uncertain significance. Review status: criteria provided, multiple submitters, no conflicts (2 of 4 stars). 3 submissions from 3 submitters: Uncertain significance (3). Last evaluated 2026-07-07.

Conditions:
Hereditary cancer-predisposing syndrome. Also called: Hereditary Cancer Syndrome; Tumor predisposition; Hereditary neoplastic syndrome; Neoplastic Syndromes, Hereditary. Identifiers: Orphanet 140162, MedGen C0027672, MeSH D009386, MONDO:0015356.
Familial cancer of breast. Also called: Hereditary breast cancer; hereditary breast carcinoma; BREAST CANCER, FAMILIAL. Identifiers: Orphanet 227535, MedGen C0346153, MONDO:0016419, OMIM 114480. Disease mechanism: loss of function.

Allele frequency attached by ClinVar (database versions not stated): ExAC 0.00001; gnomAD 0.00001; 1000 Genomes Project 0.00020; 1000 Genomes Project 30x 0.00031; gnomAD exomes below 0.00001.
gnomAD v4.1: 2 of 1,613,452 alleles (0.00012%); highest among the groups gnomAD compares: South Asian, 0.0011%; no homozygotes.

Submissions (3):

Ambry Genetics
Classification: Uncertain significance for Hereditary cancer-predisposing syndrome. Last evaluated: 2026-07-07. Review status: criteria provided, single submitter. Criteria: Ambry Variant Classification Scheme 2023. Collection method: clinical testing. Allele origin: germline.
Comment: The p.P338A variant (also known as c.1012C>G), located in coding exon 4 of the PALB2 gene, results from a C to G substitution at nucleotide position 1012. The proline at codon 338 is replaced by alanine, an amino acid with highly similar properties. This amino acid position is conserved. In addition, this alteration is predicted to be tolerated by in silico analysis. Based on the available evidence, the clinical significance of this variant remains unclear.

Labcorp Genetics (formerly Invitae), Labcorp
Classification: Uncertain significance for Familial cancer of breast. Last evaluated: 2025-09-14. Review status: criteria provided, single submitter. Criteria: Invitae Variant Classification Sherloc (09022015). Collection method: clinical testing. Allele origin: germline.
Comment: This sequence change replaces proline, which is neutral and non-polar, with alanine, which is neutral and non-polar, at codon 338 of the PALB2 protein (p.Pro338Ala). This variant is present in population databases (rs560853558, gnomAD 0.003%). This variant has not been reported in the literature in individuals affected with PALB2-related conditions. ClinVar contains an entry for this variant (Variation ID: 492142). Invitae Evidence Modeling of protein sequence and biophysical properties (such as structural, functional, and spatial information, amino acid conservation, physicochemical variation, residue mobility, and thermodynamic stability) indicates that this missense variant is not expected to disrupt PALB2 protein function with a negative predictive value of 80%. In summary, the available evidence is currently insufficient to determine the role of this variant in disease. Therefore, it has been classified as a Variant of Uncertain Significance.

Color Diagnostics, LLC DBA Color Health
Classification: Uncertain significance for Hereditary cancer-predisposing syndrome. Last evaluated: 2023-12-04. Review status: criteria provided, single submitter. Criteria: ACMG Guidelines, 2015. Collection method: clinical testing. Allele origin: germline.
Comment: This missense variant replaces proline with alanine at codon 338 of the PALB2 protein. Computational prediction suggests that this variant may not impact protein structure and function (internally defined REVEL score threshold <= 0.5, PMID: 27666373). To our knowledge, functional studies have not been reported for this variant. This variant has not been reported in individuals affected with PALB2-related disorders in the literature. This variant has been identified in 1/250882 chromosomes in the general population by the Genome Aggregation Database (gnomAD). The available evidence is insufficient to determine the role of this variant in disease conclusively. Therefore, this variant is classified as a Variant of Uncertain Significance.